The following is an entry in ClinVar:

NM_001793.6(CDH3):c.461del (p.Pro154fs)

Gene: CDH3 (cadherin 3; plus strand). Cytogenetic location: 16q22.1.
Variant type: Deletion.
Coding change: c.461del on transcript NM_001793.6 (MANE Select); coding-DNA position 461, one base deleted (C; older notation c.461delC).
Protein change: p.Pro154fs; shifts the reading frame from proline 154.
Molecular consequence: frameshift variant.
Genome position (GRCh38, 1-based): chr16:68,678,571, C deleted; the last of 6 consecutive C bases (chr16:68,678,566-68,678,571); deleting any one gives the same sequence. VCF-style (leftmost placement, unchanged base first): chr16-68678565-GC-G. GRCh37 (hg19) VCF-style: chr16-68712468-GC-G.
Other names: c.461del, p.Pro154fs (NM_001317195.3); c.296del, p.Pro99fs (NM_001317196.2); short protein forms P154fs, P99fs.
Identifiers: ClinVar variation 3033047 (VCV003033047.4), dbSNP rs1437616632, ClinGen allele CA2740093404.

ClinVar aggregate classification (germline): Likely pathogenic. Review status: criteria provided, single submitter (1 of 4 stars). 3 submissions from 3 submitters: Likely pathogenic (1). 2 of the submissions do not count toward it. Last evaluated 2023-04-21.

Conditions:
CDH3-related disorder. Also called: CDH3-related condition.
Retinal dystrophy. Also called: Inherited retinal dystrophy. Identifiers: Orphanet 71862, MedGen C0854723, MeSH D058499, MONDO:0019118, HP:0000556.

Submissions (3):

Blueprint Genetics
Classification: Likely pathogenic for CDH3-related disorders. Last evaluated: 2023-04-21. Review status: criteria provided, single submitter. Criteria: ACMG Guidelines, 2015. Collection method: clinical testing. Allele origin: germline. Affected: yes. Observed: 1 variant allele.

PreventionGenetics, part of Exact Sciences
Classification: Likely pathogenic for CDH3-related condition. Last evaluated: 2023-10-23. Review status: no assertion criteria provided. Collection method: clinical testing. Allele origin: germline. Not counted in ClinVar's aggregate classification.
Comment: The CDH3 c.461delC variant is predicted to result in a frameshift and premature protein termination (p.Pro154Leufs*7). To our knowledge, this variant has not been reported in the literature or in a large population database, indicating this variant is rare. Frameshift variants in CDH3 are expected to be pathogenic. Therefore we interpret this variant as likely pathogenic.

Institute of Human Genetics, Univ. Regensburg, Univ. Regensburg
Classification: Likely pathogenic for Retinal dystrophy. Last evaluated: 2006-01-01. Review status: no assertion criteria provided. Criteria: ACMG Guidelines, 2015. Collection method: clinical testing. Allele origin: germline. Affected: yes. Not counted in ClinVar's aggregate classification.